The following is an entry in ClinVar:

NM_182961.4(SYNE1):c.1309G>A (p.Glu437Lys)

Gene: SYNE1 (spectrin repeat containing nuclear envelope protein 1; minus strand). Cytogenetic location: 6q25.2.
Variant type: single nucleotide variant.
Coding change: c.1309G>A on transcript NM_182961.4 (MANE Select); coding-DNA position 1309, G replaced by A.
Protein change: p.Glu437Lys; replaces glutamic acid 437 with lysine.
Molecular consequence: missense variant.
Genome position (GRCh38, 1-based): chr6:152,483,126, C>T on the plus strand (G>A on the coding strand, the complement: SYNE1 is on the minus strand). VCF-style: chr6-152483126-C-T. GRCh37 (hg19) VCF-style: chr6-152804261-C-T.
Other names: c.1330G>A, p.Glu444Lys (NM_033071.5); short protein forms E444K, E437K.
Identifiers: ClinVar variation 1460760 (VCV001460760.5), dbSNP rs2154294590, ClinGen allele CA366139832.

ClinVar aggregate classification (germline): Uncertain significance (1 of 4 stars; one submission).

Conditions:
Autosomal recessive ataxia, Beauce type. Also called: SYNE1-Related Autosomal Recessive Cerebellar Ataxia; Spinocerebellar ataxia, autosomal recessive 8; ATAXIA, RECESSIVE, OF BEAUCE; SYNE1 Deficiency. Identifiers: Orphanet 88644, MedGen C1853116, MONDO:0012549, OMIM 610743.
Emery-Dreifuss muscular dystrophy 4, autosomal dominant (EDMD4). Also called: EMERY-DREIFUSS MUSCULAR DYSTROPHY 4 WITH VARIABLE FEATURES. Identifiers: Orphanet 261, MedGen C2751807, MONDO:0013071, OMIM 612998.

Submission:

Labcorp Genetics (formerly Invitae), Labcorp
Classification: Uncertain significance for Emery-Dreifuss muscular dystrophy 4, autosomal dominant; Autosomal recessive ataxia, Beauce type. Last evaluated: 2024-10-18. Review status: criteria provided, single submitter. Criteria: Invitae Variant Classification Sherloc (09022015). Collection method: clinical testing. Allele origin: germline.
Comment: This sequence change replaces glutamic acid, which is acidic and polar, with lysine, which is basic and polar, at codon 444 of the SYNE1 protein (p.Glu444Lys). This variant is not present in population databases (gnomAD no frequency). This variant has not been reported in the literature in individuals affected with SYNE1-related conditions. ClinVar contains an entry for this variant (Variation ID: 1460760). An algorithm developed to predict the effect of missense changes on protein structure and function (PolyPhen-2) suggests that this variant is likely to be disruptive. In summary, the available evidence is currently insufficient to determine the role of this variant in disease. Therefore, it has been classified as a Variant of Uncertain Significance.